The following is an entry in ClinVar:

ClinVar aggregate classification (germline): Conflicting classifications of pathogenicity. Review status: criteria provided, conflicting classifications (1 of 4 stars). 4 submissions from 4 submitters: Pathogenic (1); Uncertain significance (3). Last evaluated 2025-07-11.

Conditions:
Niemann-Pick disease, type C1. Also called: NEUROVISCERAL STORAGE DISEASE WITH VERTICAL SUPRANUCLEAR OPHTHALMOPLEGIA; NIEMANN-PICK DISEASE WITH CHOLESTEROL ESTERIFICATION BLOCK; NIEMANN-PICK DISEASE WITHOUT SPHINGOMYELINASE DEFICIENCY; NIEMANN-PICK DISEASE, CHRONIC NEURONOPATHIC FORM; NIEMANN-PICK DISEASE, VARIANT TYPE C1. Identifiers: Orphanet 646, MedGen C3179455, MONDO:0009757, OMIM 257220.

Submissions (4):

Women's Health and Genetics/Laboratory Corporation of America, LabCorp
Classification: Uncertain significance. Last evaluated: 2025-07-11. Review status: criteria provided, single submitter. Criteria: LabCorp Variant Classification Summary - May 2015. Collection method: clinical testing. Allele origin: germline.
Comment: Variant summary: NPC1 c.1223T>C (p.Leu408Pro) results in a non-conservative amino acid change in the encoded protein sequence. Algorithms developed to predict the effect of missense changes on protein structure and function all suggest that this variant is likely to be disruptive. The variant was absent in 251310 control chromosomes (gnomAD). c.1223T>C has been observed in individuals affected with Niemann-Pick Disease Type C (Internal data). These data indicate that the variant may be associated with disease. To our knowledge, no experimental evidence demonstrating an impact on protein function has been reported. ClinVar contains an entry for this variant (Variation ID: 561067). Based on the evidence outlined above, the variant was classified as VUS-possibly pathogenic.

Labcorp Genetics (formerly Invitae), Labcorp
Classification: Pathogenic for Niemann-Pick disease, type C1. Last evaluated: 2025-04-07. Review status: criteria provided, single submitter. Criteria: Invitae Variant Classification Sherloc (09022015). Collection method: clinical testing. Allele origin: germline.
Comment: This sequence change replaces leucine, which is neutral and non-polar, with proline, which is neutral and non-polar, at codon 408 of the NPC1 protein (p.Leu408Pro). This variant is not present in population databases (gnomAD no frequency). This missense change has been observed in individual(s) with clinical features of NPC1-related conditions (internal data). In at least one individual the data is consistent with being in trans (on the opposite chromosome) from a pathogenic variant. ClinVar contains an entry for this variant (Variation ID: 561067). Invitae Evidence Modeling of protein sequence and biophysical properties (such as structural, functional, and spatial information, amino acid conservation, physicochemical variation, residue mobility, and thermodynamic stability) indicates that this missense variant is expected to disrupt NPC1 protein function with a positive predictive value of 95%. This variant disrupts the p.Leu408 amino acid residue in NPC1. Other variant(s) that disrupt this residue have been determined to be pathogenic (internal data). This suggests that this residue is clinically significant, and that variants that disrupt this residue are likely to be disease-causing. For these reasons, this variant has been classified as Pathogenic.

GeneDx
Classification: Uncertain significance. Last evaluated: 2023-07-06. Review status: criteria provided, single submitter. Criteria: GeneDx Variant Classification Process June 2021. Collection method: clinical testing. Allele origin: germline. Affected: yes.
Comment: Has not been previously published as pathogenic or benign to our knowledge; Not observed at significant frequency in large population cohorts (gnomAD); In silico analysis supports that this missense variant has a deleterious effect on protein structure/function

Baylor Genetics
Classification: Uncertain significance for Niemann-Pick disease, type C1. Last evaluated: 2017-09-01. Review status: criteria provided, single submitter. Criteria: ACMG Guidelines, 2015. Collection method: clinical testing. Allele origin: paternal. Inheritance: Autosomal recessive inheritance. Affected: yes.

Literature cited by the submitters: PubMed 25326635 (cited by Baylor Genetics).

NM_000271.5(NPC1):c.1223T>C (p.Leu408Pro)

Gene: NPC1 (NPC intracellular cholesterol transporter 1; minus strand). Cytogenetic location: 18q11.2.
Variant type: single nucleotide variant.
Coding change: c.1223T>C on transcript NM_000271.5 (MANE Select); coding-DNA position 1223, T replaced by C.
Protein change: p.Leu408Pro; replaces leucine 408 with proline.
Molecular consequence: missense variant.
Genome position (GRCh38, 1-based): chr18:23,556,346, A>G on the plus strand (T>C on the coding strand, the complement: NPC1 is on the minus strand). VCF-style: chr18-23556346-A-G. GRCh37 (hg19) VCF-style: chr18-21136310-A-G.
Other names: short protein forms L408P.
Identifiers: ClinVar variation 561067 (VCV000561067.11), dbSNP rs1567965313, ClinGen allele CA401777565.
Genomic context (GRCh38, chr18:23,556,346, plus strand): 5'-TCAGCTCCCGAAGGGTATGGCTGGTAAATGTGTTTGTCAGTGAGAGGGGCCCGGATGATG[A>G]GCTGCTCCGTCCGGAAGAAAGGCCCAAAGTGCTGGTCAAAGTACTCTTTTTCCAGGCGAG-3'
Protein context (NP_000262.2, residues 398-418): HFGPFFRTEQ[Leu408Pro]IIRAPLTDKH